The following is an entry in ClinVar:

ClinVar aggregate classification (germline): Uncertain significance (1 of 4 stars; one submission).

Conditions:
Neuropathy, hereditary sensory and autonomic, type 2A (HSAN2A). Also called: MORVAN DISEASE; NEUROPATHY, CONGENITAL SENSORY; NEUROPATHY, HEREDITARY SENSORY RADICULAR, AUTOSOMAL RECESSIVE; NEUROPATHY, HEREDITARY SENSORY, TYPE IIA; NEUROPATHY, PROGRESSIVE SENSORY, OF CHILDREN; ACROOSTEOLYSIS, GIACCAI TYPE. Identifiers: Orphanet 970, MedGen C2752089, MONDO:0024309, OMIM 201300.
Generalized epilepsy with febrile seizures plus, type 7 (GEFSP7). Also called: GEFS+, TYPE 7. Identifiers: Orphanet 36387, MedGen C2751778, MONDO:0013470, OMIM 613863.

gnomAD v4.1: 2 of 1,613,692 alleles (0.00012%); highest among the groups gnomAD compares: African/African-American, 0.0013%; no homozygotes.

Submission:

Labcorp Genetics (formerly Invitae), Labcorp
Classification: Uncertain significance for Neuropathy, hereditary sensory and autonomic, type 2A; Generalized epilepsy with febrile seizures plus, type 7. Last evaluated: 2024-04-08. Review status: criteria provided, single submitter. Criteria: Invitae Variant Classification Sherloc (09022015). Collection method: clinical testing. Allele origin: germline.
Comment: This sequence change replaces isoleucine, which is neutral and non-polar, with methionine, which is neutral and non-polar, at codon 1906 of the SCN9A protein (p.Ile1906Met). This variant is present in population databases (rs772061182, gnomAD 0.006%). This variant has not been reported in the literature in individuals affected with SCN9A-related conditions. Advanced modeling of protein sequence and biophysical properties (such as structural, functional, and spatial information, amino acid conservation, physicochemical variation, residue mobility, and thermodynamic stability) performed at Invitae indicates that this missense variant is not expected to disrupt SCN9A protein function with a negative predictive value of 95%. In summary, the available evidence is currently insufficient to determine the role of this variant in disease. Therefore, it has been classified as a Variant of Uncertain Significance.

NM_001365536.1(SCN9A):c.5751A>G (p.Ile1917Met)

Genes: SCN9A (sodium voltage-gated channel alpha subunit 9; minus strand), SCN1A-AS1 (SCN1A and SCN9A antisense RNA 1; plus strand). Cytogenetic location: 2q24.3.
Variant type: single nucleotide variant.
Coding change: c.5751A>G on transcript NM_001365536.1 (MANE Select); coding-DNA position 5751, A replaced by G.
Protein change: p.Ile1917Met; replaces isoleucine 1917 with methionine.
Molecular consequence: missense variant.
Genome position (GRCh38, 1-based): chr2:166,198,888, T>C on the plus strand (A>G on the coding strand, the complement: SCN9A is on the minus strand). VCF-style: chr2-166198888-T-C. GRCh37 (hg19) VCF-style: chr2-167055398-T-C.
Other names: c.5718A>G, p.Ile1906Met (NM_002977.4); short protein forms I1917M, I1906M.
Identifiers: ClinVar variation 3755752 (VCV003755752.2).
Genomic context (GRCh38, chr2:166,198,888, plus strand): 5'-AACATTATCAAAAGCCATATCTTTTTTATTGAGTAAATCATCATCTCTGTCTCCATCTTT[T>C]ATGTATATACTTGATATATTTTTGACATTTTGCCTTAAGCGGTAACGTCTATAAGCACGC-3'
Protein context (NP_001352465.1, residues 1907-1927): QNVKNISSIY[Ile1917Met]KDGDRDDDLL